The following is an entry in ClinVar:

NM_005751.5(AKAP9):c.1022A>T (p.Glu341Val)

Gene: AKAP9 (A-kinase anchoring protein 9; plus strand). Cytogenetic location: 7q21.2.
Variant type: single nucleotide variant.
Coding change: c.1022A>T on transcript NM_005751.5 (MANE Select); coding-DNA position 1022, A replaced by T.
Protein change: p.Glu341Val; replaces glutamic acid 341 with valine.
Molecular consequence: missense variant.
Genome position (GRCh38, 1-based): chr7:92,000,939, A>T. VCF-style: chr7-92000939-A-T. GRCh37 (hg19) VCF-style: chr7-91630253-A-T.
Other names: c.1022A>T, p.Glu341Val (NM_147185.3); short protein forms E341V.
Identifiers: ClinVar variation 2981252 (VCV002981252.5), dbSNP rs1180483368, ClinGen allele CA368120828.

ClinVar aggregate classification (germline): Uncertain significance. Review status: criteria provided, multiple submitters, no conflicts (2 of 4 stars). 2 submissions from 2 submitters: Uncertain significance (2). Last evaluated 2024-08-20.

Conditions:
Cardiovascular phenotype. Identifiers: MedGen CN230736.
Long QT syndrome (LQTS). Identifiers: MedGen C0023976, MeSH D008133, MONDO:0002442. Disease mechanism: loss of function. Inheritance: Various modes of inheritance.

Allele frequency attached by ClinVar (database versions not stated): gnomAD exomes 0.00001.
gnomAD v4.1: 16 of 1,491,888 alleles (0.0011%); highest among the groups gnomAD compares: Non-Finnish European, 0.0012%; no homozygotes.

Submissions (2):

Ambry Genetics
Classification: Uncertain significance for Cardiovascular phenotype. Last evaluated: 2024-08-20. Review status: criteria provided, single submitter. Criteria: Ambry Variant Classification Scheme 2023. Collection method: clinical testing. Allele origin: germline.

Labcorp Genetics (formerly Invitae), Labcorp
Classification: Uncertain significance for Long QT syndrome. Last evaluated: 2023-09-25. Review status: criteria provided, single submitter. Criteria: Invitae Variant Classification Sherloc (09022015). Collection method: clinical testing. Allele origin: germline.
Comment: In summary, the available evidence is currently insufficient to determine the role of this variant in disease. Therefore, it has been classified as a Variant of Uncertain Significance. An algorithm developed to predict the effect of missense changes on protein structure and function (PolyPhen-2) suggests that this variant is likely to be disruptive. This variant has not been reported in the literature in individuals affected with AKAP9-related conditions. This variant is present in population databases (no rsID available, gnomAD 0.002%). This sequence change replaces glutamic acid, which is acidic and polar, with valine, which is neutral and non-polar, at codon 341 of the AKAP9 protein (p.Glu341Val).